The following is an entry in ClinVar:

ClinVar aggregate classification (germline): Benign/Likely benign. Review status: criteria provided, multiple submitters, no conflicts (2 of 4 stars). 8 submissions from 8 submitters: Benign (3); Likely benign (2). 3 of the submissions do not count toward it. Last evaluated 2026-08-01.

Conditions:
Intellectual disability, autosomal dominant 14 (CSS2). Also called: COFFIN-SIRIS SYNDROME 2. Identifiers: Orphanet 1465, MedGen C3553247, MONDO:0013819, OMIM 614607.

Submissions (8):

CeGaT Center for Human Genetics Tuebingen
Classification: Likely benign. Last evaluated: 2026-08-01. Review status: criteria provided, single submitter. Criteria: CeGaT Center For Human Genetics Tuebingen Variant Classification Criteria Version 2. Collection method: clinical testing. Allele origin: germline. Affected: yes. Observed: 19 variant alleles.
Comment: ARID1A: BS1

Labcorp Genetics (formerly Invitae), Labcorp
Classification: Benign. Last evaluated: 2026-01-22. Review status: criteria provided, single submitter. Criteria: Invitae Variant Classification Sherloc (09022015). Collection method: clinical testing. Allele origin: germline.

Genome-Nilou Lab
Classification: Benign for Intellectual disability, autosomal dominant 14. Last evaluated: 2021-12-05. Review status: criteria provided, single submitter. Criteria: ACMG Guidelines, 2015. Collection method: clinical testing. Allele origin: germline. Affected: no.

GeneDx
Classification: Benign. Last evaluated: 2019-06-20. Review status: criteria provided, single submitter. Criteria: GeneDx Variant Classification Process June 2021. Collection method: clinical testing. Allele origin: germline. Affected: yes.

Center for Pediatric Genomic Medicine, Children's Mercy Hospital and Clinics
Classification: Likely benign. Last evaluated: 2015-11-23. Review status: criteria provided, single submitter. Criteria: ACMG Guidelines, 2015. Collection method: clinical testing. Allele origin: germline.
ClinVar note: Converted during submission from Likely Benign to Likely benign.

Genetic Services Laboratory, University of Chicago
Classification: Likely benign. Last evaluated: 2022-08-05. Review status: no assertion criteria provided. Collection method: clinical testing. Allele origin: germline. Affected: no. Not counted in ClinVar's aggregate classification.

Clinical Genetics DNA and cytogenetics Diagnostics Lab, Erasmus MC, Erasmus Medical Center
Classification: Benign. Review status: no assertion criteria provided. Collection method: clinical testing. Allele origin: germline. Affected: yes. Study: VKGL Data-share Consensus. Not counted in ClinVar's aggregate classification.

Diagnostic Laboratory, Department of Genetics, University Medical Center Groningen
Classification: Likely benign for Intellectual disability, autosomal dominant 14. Review status: no assertion criteria provided. Collection method: clinical testing. Allele origin: germline. Affected: yes. Study: VKGL Data-share Consensus. Not counted in ClinVar's aggregate classification.

NM_006015.6(ARID1A):c.3978GCA[9] (p.Gln1334dup)

Gene: ARID1A (AT-rich interaction domain 1A; plus strand). Cytogenetic location: 1p36.11.
Variant type: Microsatellite.
Coding change: c.3978GCA[9] on transcript NM_006015.6 (MANE Select); nine copies in a row of the 3-base unit GCA starting at c.3978; the reference has eight copies in a row; one copy, 3 bases duplicated; also written c.3999_4001dup.
Protein change: p.Gln1334dup; duplicates glutamine 1334.
Molecular consequence: inframe insertion.
Genome position (GRCh38, 1-based): chr1:26,773,712-26,773,714, GCA duplicated; duplicating any 3 consecutive bases within chr1:26,773,691-26,773,714 gives the same sequence; the position shown is the placement nearest the transcript's 3' end. VCF-style (leftmost placement, unchanged base first): chr1-26773690-C-CGCA. GRCh37 (hg19) VCF-style: chr1-27100181-C-CGCA.
Other names: c.3978GCA[9], p.Gln1334dup (NM_139135.4); c.3999_4001dup (NM_006015.6).
Identifiers: ClinVar variation 235338 (VCV000235338.41), dbSNP rs374564889, ClinGen allele CA707362.
Genomic context (GRCh38, chr1:26,773,690, plus strand): 5'-AGCCGAATCTCATGCCTTCCAACCCAGACTCGGGGATGTATTCTCCTAGCCGCTACCCCC[C>CGCA]GCAGCAGCAGCAGCAGCAGCAGCAACGGTGAGTAAAGCCTGGTCTCGGTGCTGCTATGGA-3'